The following is an entry in ClinVar:

ClinVar aggregate classification (germline): Uncertain significance (1 of 4 stars; one submission).

gnomAD v4.1: 2 of 1,614,192 alleles (0.00012%); highest among the groups gnomAD compares: Non-Finnish European, 0.000085%; no homozygotes.

Submission:

Labcorp Genetics (formerly Invitae), Labcorp
Classification: Uncertain significance. Last evaluated: 2026-01-26. Review status: criteria provided, single submitter. Criteria: Invitae Variant Classification Sherloc (09022015). Collection method: clinical testing. Allele origin: germline.
Comment: This sequence change replaces histidine, which is basic and polar, with arginine, which is basic and polar, at codon 199 of the PRPF4 protein (p.His199Arg). This variant is not present in population databases (gnomAD no frequency). This variant has not been reported in the literature in individuals affected with PRPF4-related conditions. An algorithm developed to predict the effect of missense changes on protein structure and function (PolyPhen-2) suggests that this variant is likely to be tolerated. In summary, the available evidence is currently insufficient to determine the role of this variant in disease. Therefore, it has been classified as a Variant of Uncertain Significance.

NM_001244926.2(PRPF4):c.593A>G (p.His198Arg)

Gene: PRPF4 (pre-mRNA splicing tri-snRNP complex factor PRPF4; plus strand). Cytogenetic location: 9q32.
Variant type: single nucleotide variant.
Coding change: c.593A>G on transcript NM_001244926.2 (MANE Select); coding-DNA position 593, A replaced by G.
Protein change: p.His198Arg; replaces histidine 198 with arginine.
Molecular consequence: missense variant. On other transcripts: 5 prime UTR variant (2), non-coding transcript variant (2).
Genome position (GRCh38, 1-based): chr9:113,283,421, A>G. VCF-style: chr9-113283421-A-G. GRCh37 (hg19) VCF-style: chr9-116045701-A-G.
Other names: c.-173A>G (NM_001322266.2, NM_001322267.2); c.596A>G, p.His199Arg (NM_004697.5); short protein forms H198R, H199R.
Identifiers: ClinVar variation 4769492 (VCV004769492.1).